The following is an entry in ClinVar:

ClinVar aggregate classification (germline): Conflicting classifications of pathogenicity. Review status: criteria provided, conflicting classifications (1 of 4 stars). 5 submissions from 5 submitters: Uncertain significance (2); Benign (1); Likely benign (2). Last evaluated 2026-02-20.

Conditions:
Basal cell nevus syndrome 1 (BCNS1). Also called: GORLIN-GOLTZ SYNDROME; MULTIPLE BASAL CELL NEVI, ODONTOGENIC KERATOCYSTS, AND SKELETAL ANOMALIES. Identifiers: MedGen CN376810, MONDO:0958174, OMIM 109400.
Hereditary cancer-predisposing syndrome. Also called: Tumor predisposition; Hereditary neoplastic syndrome; Neoplastic Syndromes, Hereditary; Hereditary Cancer Syndrome. Identifiers: Orphanet 140162, MedGen C0027672, MeSH D009386, MONDO:0015356.
Gorlin syndrome. Also called: Basal cell nevus syndrome; Nevoid Basal Cell Carcinoma Syndrome. Identifiers: Orphanet 377, MedGen C0004779, MONDO:0007187.

Allele frequency attached by ClinVar (database versions not stated): gnomAD exomes 0.00001 and 0.00004; ExAC 0.00003; gnomAD 0.00003 and 0.00004; TOPMed 0.00003; 1000 Genomes Project 30x 0.00016; 1000 Genomes Project 0.00020.
gnomAD v4.1: 25 of 1,614,148 alleles (0.0015%); highest among the groups gnomAD compares: African/African-American, 0.008%; no homozygotes.

Submissions (5):

St. Jude Molecular Pathology, St. Jude Children's Research Hospital
Classification: Uncertain significance for Basal cell nevus syndrome 1. Last evaluated: 2026-02-20. Review status: criteria provided, single submitter. Criteria: St. Jude Assertion Criteria 2020. Collection method: clinical testing. Allele origin: germline.
Comment: The PTCH1 c.1063G>A p.(Val355Ile) missense change has a maximum subpopulation frequency of 0.03% in gnomAD v2.1.1. The in silico tool REVEL predicts a benign effect on protein function, but to our knowledge this prediction has not been confirmed by functional studies. To our knowledge, this variant has not been reported in individuals with nevoid basal cell carcinoma syndrome. In summary, t he evidence currently available is insufficient to determine the clinical significance of this variant. It has therefore been classified as of uncertain significance.

Labcorp Genetics (formerly Invitae), Labcorp
Classification: Benign for Gorlin syndrome. Last evaluated: 2026-01-05. Review status: criteria provided, single submitter. Criteria: Invitae Variant Classification Sherloc (09022015). Collection method: clinical testing. Allele origin: germline.

GeneDx
Classification: Uncertain significance. Last evaluated: 2025-07-31. Review status: criteria provided, single submitter. Criteria: GeneDx Variant Classification Process June 2021. Collection method: clinical testing. Allele origin: germline.
Comment: In silico analysis suggests that this missense variant does not alter protein structure/function; Has not been previously published as pathogenic or benign to our knowledge; This variant is associated with the following publications: (PMID: 8906794)

Blueprint Genetics
Classification: Likely benign. Last evaluated: 2024-07-09. Review status: criteria provided, single submitter. Criteria: ACMG Guidelines, 2015. Collection method: clinical testing. Allele origin: germline.

Ambry Genetics
Classification: Likely benign for Hereditary cancer-predisposing syndrome. Last evaluated: 2017-12-05. Review status: criteria provided, single submitter. Criteria: Ambry Variant Classification Scheme 2023. Collection method: clinical testing. Allele origin: germline.

NM_000264.5(PTCH1):c.1063G>A (p.Val355Ile)

Gene: PTCH1 (patched 1; minus strand). Cytogenetic location: 9q22.32.
Variant type: single nucleotide variant.
Coding change: c.1063G>A on transcript NM_000264.5 (MANE Select); coding-DNA position 1063, G replaced by A.
Protein change: p.Val355Ile; replaces valine 355 with isoleucine.
Molecular consequence: missense variant. On other transcripts: non-coding transcript variant (1).
Genome position (GRCh38, 1-based): chr9:95,479,973, C>T on the plus strand (G>A on the coding strand, the complement: PTCH1 is on the minus strand). VCF-style: chr9-95479973-C-T. GRCh37 (hg19) VCF-style: chr9-98242255-C-T.
Other names: c.865G>A, p.Val289Ile (NM_001083602.3); c.1060G>A, p.Val354Ile (NM_001083603.3); c.610G>A, p.Val204Ile (NM_001083604.3, NM_001083605.3, NM_001083606.3 and 1 more transcripts); c.1063G>A, p.Val355Ile (NM_001354918.2); short protein forms V289I, V355I, V204I, V354I.
Identifiers: ClinVar variation 524569 (VCV000524569.15), dbSNP rs555332902, ClinGen allele CA5138781.
Genomic context (GRCh38, chr9:95,479,973, plus strand): 5'-TTTTGAGGAAAGGAAGAAGACTACAGGGCATAGATTGTCCTCGGGAGCTGGCTTACCTGA[C>T]GAGTTTTCCAGTGCTGTTCTTGACTGTGCCACCCACAATCAACTCCTCCTGCCAGTGCAT-3'
Protein context (NP_000255.2, residues 345-365): GTVKNSTGKL[Val355Ile]SAHALQTMFQ